The following is an entry in ClinVar:

ClinVar aggregate classification (germline): Uncertain significance (1 of 4 stars; one submission).

Conditions:
Pigmentary pallidal degeneration (NBIA1). Also called: Neurodegeneration with brain iron accumulation 1; PKAN NEUROAXONAL DYSTROPHY, JUVENILE-ONSET; HARP SYNDROME; Pantothenate Kinase-Associated Neurodegeneration; Neuroaxonal dystrophy, late infantile; Hallervorden-Spatz disease. Identifiers: Orphanet 157850, MedGen C0018523, MONDO:0009319, OMIM 234200.

gnomAD v4.1: 7 of 1,547,326 alleles (0.00045%); highest among the groups gnomAD compares: Non-Finnish European, 0.00061%; no homozygotes.

Submission:

Labcorp Genetics (formerly Invitae), Labcorp
Classification: Uncertain significance for Pigmentary pallidal degeneration. Last evaluated: 2021-08-14. Review status: criteria provided, single submitter. Criteria: Invitae Variant Classification Sherloc (09022015). Collection method: clinical testing. Allele origin: germline.
Comment: This sequence change replaces arginine with glycine at codon 119 of the PANK2 protein (p.Arg119Gly). The arginine residue is weakly conserved and there is a moderate physicochemical difference between arginine and glycine. The frequency data for this variant in the population databases is considered unreliable, as metrics indicate insufficient coverage at this position in the ExAC database. This variant has not been reported in the literature in individuals affected with PANK2-related conditions. Algorithms developed to predict the effect of missense changes on protein structure and function are either unavailable or do not agree on the potential impact of this missense change (SIFT: "Deleterious"; PolyPhen-2: "Benign"; Align-GVGD: "Class C0"). In summary, the available evidence is currently insufficient to determine the role of this variant in disease. Therefore, it has been classified as a Variant of Uncertain Significance.

NM_001386393.1(PANK2):c.25C>G (p.Arg9Gly)

Genes: PANK2 (pantothenate kinase 2; plus strand), LOC130065345 (ATAC-STARR-seq lymphoblastoid silent region 12635; plus strand). Cytogenetic location: 20p13.
Variant type: single nucleotide variant.
Coding change: c.25C>G on transcript NM_001386393.1 (MANE Select); coding-DNA position 25, C replaced by G.
Protein change: p.Arg9Gly; replaces arginine 9 with glycine.
Molecular consequence: missense variant. On other transcripts: 5 prime UTR variant (1), non-coding transcript variant (1), intron variant (1).
Genome position (GRCh38, 1-based): chr20:3,889,455, C>G. VCF-style: chr20-3889455-C-G. GRCh37 (hg19) VCF-style: chr20-3870102-C-G.
Other names: c.-687C>G (NM_001324191.2); c.355C>G, p.Arg119Gly (NM_001324192.1, NM_153638.4); c.-246+551C>G (NM_024960.6); short protein forms R119G, R9G.
Identifiers: ClinVar variation 1520656 (VCV001520656.5), dbSNP rs944348405, ClinGen allele CA311088796.